The following is an entry in ClinVar:

ClinVar aggregate classification (germline): Uncertain significance. Review status: criteria provided, multiple submitters, no conflicts (2 of 4 stars). 2 submissions from 2 submitters: Uncertain significance (2). Last evaluated 2025-03-05.

Conditions:
Genitopatellar syndrome (GTPTS). Also called: ABSENT PATELLAE, SCROTAL HYPOPLASIA, RENAL ANOMALIES, FACIAL DYSMORPHISM, AND MENTAL RETARDATION; Genitopatellar syndrome (GPS). Identifiers: Orphanet 85201, MedGen C1853566, MONDO:0011640, OMIM 606170.
Inborn genetic diseases. Identifiers: MedGen C0950123, MeSH D030342.

Allele frequency attached by ClinVar (database versions not stated): ExAC 0.00001; ESP Exome Variant Server 0.00008.

Submissions (2):

Labcorp Genetics (formerly Invitae), Labcorp
Classification: Uncertain significance for Genitopatellar syndrome. Last evaluated: 2025-03-05. Review status: criteria provided, single submitter. Criteria: Invitae Variant Classification Sherloc (09022015). Collection method: clinical testing. Allele origin: germline.
Comment: This sequence change replaces threonine, which is neutral and polar, with serine, which is neutral and polar, at codon 1938 of the KAT6B protein (p.Thr1938Ser). This variant is present in population databases (rs376112744, gnomAD 0.0009%). This variant has not been reported in the literature in individuals affected with KAT6B-related conditions. ClinVar contains an entry for this variant (Variation ID: 2549595). An algorithm developed to predict the effect of missense changes on protein structure and function (PolyPhen-2) suggests that this variant is likely to be tolerated. In summary, the available evidence is currently insufficient to determine the role of this variant in disease. Therefore, it has been classified as a Variant of Uncertain Significance.

Ambry Genetics
Classification: Uncertain significance for Inborn genetic diseases. Last evaluated: 2023-05-23. Review status: criteria provided, single submitter. Criteria: Ambry Variant Classification Scheme 2023. Collection method: clinical testing. Allele origin: germline.

NM_012330.4(KAT6B):c.5813C>G (p.Thr1938Ser)

Gene: KAT6B (lysine acetyltransferase 6B; plus strand). Cytogenetic location: 10q22.2.
Variant type: single nucleotide variant.
Coding change: c.5813C>G on transcript NM_012330.4 (MANE Select); coding-DNA position 5813, C replaced by G.
Protein change: p.Thr1938Ser; replaces threonine 1938 with serine.
Molecular consequence: missense variant.
Genome position (GRCh38, 1-based): chr10:75,030,637, C>G. VCF-style: chr10-75030637-C-G. GRCh37 (hg19) VCF-style: chr10-76790395-C-G.
Other names: c.4937C>G, p.Thr1646Ser (NM_001370140.1, NM_001370141.1, NM_001370142.1 and 2 more transcripts); c.4748C>G, p.Thr1583Ser (NM_001370143.1, NM_001370144.1); c.5264C>G, p.Thr1755Ser (NM_001256468.2, NM_001370138.1); c.4775C>G, p.Thr1592Ser (NM_001370132.1); c.4124C>G, p.Thr1375Ser (NM_001370133.1); c.3728C>G, p.Thr1243Ser (NM_001370134.1); c.3470C>G, p.Thr1157Ser (NM_001370135.1); c.5813C>G, p.Thr1938Ser (NM_001370136.1, NM_001370137.1); short protein forms T1583S, T1938S, T1243S, T1755S, T1157S, T1375S, T1592S, T1646S.
Identifiers: ClinVar variation 2549595 (VCV002549595.3), dbSNP rs376112744, ClinGen allele CA5565260.